The following is an entry in ClinVar:

NM_001369.3(DNAH5):c.13465C>T (p.Gln4489Ter)

Gene: DNAH5 (dynein axonemal heavy chain 5; minus strand). Cytogenetic location: 5p15.2.
Variant type: single nucleotide variant.
Coding change: c.13465C>T on transcript NM_001369.3 (MANE Select); coding-DNA position 13465, C replaced by T.
Protein change: p.Gln4489Ter; replaces glutamine 4489 with a stop codon.
Molecular consequence: nonsense.
Genome position (GRCh38, 1-based): chr5:13,701,310, G>A on the plus strand (C>T on the coding strand, the complement: DNAH5 is on the minus strand). VCF-style: chr5-13701310-G-A. GRCh37 (hg19) VCF-style: chr5-13701419-G-A.
Other names: short protein forms Q4489*.
Identifiers: ClinVar variation 1938123 (VCV001938123.5), dbSNP rs2546469244, ClinGen allele CA359192420.

ClinVar aggregate classification (germline): Pathogenic (1 of 4 stars; one submission).

Conditions:
Primary ciliary dyskinesia. Also called: Ciliary dyskinesia. Identifiers: Orphanet 244, MedGen C0008780, MONDO:0016575, HP:0012265.

Submission:

Labcorp Genetics (formerly Invitae), Labcorp
Classification: Pathogenic for Primary ciliary dyskinesia. Last evaluated: 2022-03-29. Review status: criteria provided, single submitter. Criteria: Invitae Variant Classification Sherloc (09022015). Collection method: clinical testing. Allele origin: germline.
Comment: For these reasons, this variant has been classified as Pathogenic. This variant has not been reported in the literature in individuals affected with DNAH5-related conditions. This variant is not present in population databases (gnomAD no frequency). This sequence change creates a premature translational stop signal (p.Gln4489*) in the DNAH5 gene. It is expected to result in an absent or disrupted protein product. Loss-of-function variants in DNAH5 are known to be pathogenic (PMID: 11788826, 16627867).

Literature cited by the submitters: PubMed 11788826; PubMed 16627867.